The following is an entry in ClinVar:

ClinVar aggregate classification (germline): Uncertain significance (1 of 4 stars; one submission).

Allele frequency attached by ClinVar (database versions not stated): TOPMed below 0.00001; gnomAD exomes 0.00001.
gnomAD v4.1: 11 of 1,613,872 alleles (0.00068%); highest among the groups gnomAD compares: South Asian, 0.0022%; no homozygotes.

Submission:

Labcorp Genetics (formerly Invitae), Labcorp
Classification: Uncertain significance. Last evaluated: 2022-12-15. Review status: criteria provided, single submitter. Criteria: Invitae Variant Classification Sherloc (09022015). Collection method: clinical testing. Allele origin: germline.
Comment: In summary, the available evidence is currently insufficient to determine the role of this variant in disease. Therefore, it has been classified as a Variant of Uncertain Significance. Algorithms developed to predict the effect of missense changes on protein structure and function are either unavailable or do not agree on the potential impact of this missense change (SIFT: "Not Available"; PolyPhen-2: "Benign"; Align-GVGD: "Not Available"). This variant has not been reported in the literature in individuals affected with FN1-related conditions. This variant is present in population databases (no rsID available, gnomAD 0.002%). This sequence change replaces aspartic acid, which is acidic and polar, with glycine, which is neutral and non-polar, at codon 2083 of the FN1 protein (p.Asp2083Gly).

NM_212482.4(FN1):c.6248A>G (p.Asp2083Gly)

Gene: FN1 (fibronectin 1; minus strand). Cytogenetic location: 2q35.
Variant type: single nucleotide variant.
Coding change: c.6248A>G on transcript NM_212482.4 (MANE Select); coding-DNA position 6248, A replaced by G.
Protein change: p.Asp2083Gly; replaces aspartic acid 2083 with glycine.
Molecular consequence: missense variant. On other transcripts: intron variant (9).
Genome position (GRCh38, 1-based): chr2:215,372,375, T>C on the plus strand (A>G on the coding strand, the complement: FN1 is on the minus strand). VCF-style: chr2-215372375-T-C. GRCh37 (hg19) VCF-style: chr2-216237098-T-C.
Other names: c.5978A>G, p.Asp1993Gly (NM_001365521.2, NM_001365517.2); c.5975A>G, p.Asp1992Gly (NM_002026.4, NM_001365518.2); c.5705A>G, p.Asp1902Gly (NM_212476.3, NM_001306131.2); c.5705-360A>G (NM_212474.3); c.5705-75A>G (NM_001306132.2, NM_001365523.2); c.5975-360A>G (NM_001365524.2); c.5975-75A>G (NM_212478.3, NM_001365520.2); c.5978-360A>G (NM_001306130.2); and 2 more; short protein forms D2083G, D1902G, D1992G, D1993G.
Identifiers: ClinVar variation 3006107 (VCV003006107.3), dbSNP rs1366824456, ClinGen allele CA350467901.